The following is an entry in ClinVar:

NM_000179.3(MSH6):c.-28G>C

Gene: MSH6 (mutS homolog 6; plus strand). Cytogenetic location: 2p16.3.
Variant type: single nucleotide variant.
Coding change: c.-28G>C on transcript NM_000179.3 (MANE Select); 28 bases upstream of the start codon, G replaced by C.
Molecular consequence: 5 prime UTR variant.
Genome position (GRCh38, 1-based): chr2:47,783,206, G>C. VCF-style: chr2-47783206-G-C. GRCh37 (hg19) VCF-style: chr2-48010345-G-C.
Other names: c.-28G>C (NM_001281492.2); c.-764G>C (NM_001281493.2).
Identifiers: ClinVar variation 387117 (VCV000387117.1), dbSNP rs1057522699, ClinGen allele CA16604173.

ClinVar aggregate classification (germline): Likely benign (1 of 4 stars; one submission).

gnomAD v4.1: 6 of 1,610,096 alleles (0.00037%); highest among the groups gnomAD compares: East Asian, 0.013%; no homozygotes.

Submission:

GeneDx
Classification: Likely benign. Last evaluated: 2016-06-30. Review status: criteria provided, single submitter. Criteria: GeneDx Variant Classification (06012015). Collection method: clinical testing. Allele origin: germline. Affected: yes.
Comment: This variant is considered likely benign or benign based on one or more of the following criteria: it is a conservative change, it occurs at a poorly conserved position in the protein, it is predicted to be benign by multiple in silico algorithms, and/or has population frequency not consistent with disease.